The following is an entry in ClinVar:

NM_002439.5(MSH3):c.619A>G (p.Asn207Asp)

Gene: MSH3 (mutS homolog 3; plus strand). Cytogenetic location: 5q14.1.
Variant type: single nucleotide variant.
Coding change: c.619A>G on transcript NM_002439.5 (MANE Select); coding-DNA position 619, A replaced by G.
Protein change: p.Asn207Asp; replaces asparagine 207 with aspartic acid.
Molecular consequence: missense variant.
Genome position (GRCh38, 1-based): chr5:80,670,136, A>G. VCF-style: chr5-80670136-A-G. GRCh37 (hg19) VCF-style: chr5-79965955-A-G.
Other names: c.619A>G (NM_002439.3); short protein forms N207D.
Identifiers: ClinVar variation 1395446 (VCV001395446.8), dbSNP rs2112812178, ClinGen allele CA360266395.
Genomic context (GRCh38, chr5:80,670,136, plus strand): 5'-TATACATCTTTTGGTTGCCAGGACACAACACTTTTTGATCTCAGTCAGTTTGGATCATCA[A>G]ATACAAGTCATGAAAATTTACAGAAAACTGCTTCCAAATCAGCTAACAAACGGTCCAAAA-3'
Protein context (NP_002430.3, residues 197-217): LFDLSQFGSS[Asn207Asp]TSHENLQKTA

ClinVar aggregate classification (germline): Conflicting classifications of pathogenicity. Review status: criteria provided, conflicting classifications (1 of 4 stars). 2 submissions from 2 submitters: Uncertain significance (1); Likely benign (1). Last evaluated 2025-04-03.

Conditions:
Hereditary cancer-predisposing syndrome. Also called: Neoplastic Syndromes, Hereditary; Hereditary neoplastic syndrome; Tumor predisposition; Hereditary Cancer Syndrome. Identifiers: Orphanet 140162, MedGen C0027672, MeSH D009386, MONDO:0015356.

Allele frequency attached by ClinVar (database versions not stated): gnomAD exomes below 0.00001.
gnomAD v4.1: 1 of 1,614,160 alleles (0.000062%); highest among the groups gnomAD compares: Non-Finnish European, 0.000085%; no homozygotes.

Submissions (2):

Labcorp Genetics (formerly Invitae), Labcorp
Classification: Uncertain significance. Last evaluated: 2025-04-03. Review status: criteria provided, single submitter. Criteria: Invitae Variant Classification Sherloc (09022015). Collection method: clinical testing. Allele origin: germline.
Comment: This sequence change replaces asparagine, which is neutral and polar, with aspartic acid, which is acidic and polar, at codon 207 of the MSH3 protein (p.Asn207Asp). This variant is not present in population databases (gnomAD no frequency). This variant has not been reported in the literature in individuals affected with MSH3-related conditions. ClinVar contains an entry for this variant (Variation ID: 1395446). An algorithm developed to predict the effect of missense changes on protein structure and function (PolyPhen-2) suggests that this variant is likely to be tolerated. In summary, the available evidence is currently insufficient to determine the role of this variant in disease. Therefore, it has been classified as a Variant of Uncertain Significance.

Ambry Genetics
Classification: Likely benign for Hereditary cancer-predisposing syndrome. Last evaluated: 2025-02-26. Review status: criteria provided, single submitter. Criteria: Ambry Variant Classification Scheme 2023. Collection method: clinical testing. Allele origin: germline.